The following is an entry in ClinVar:

NM_015426.5(POC1A):c.189C>T (p.Ala63=)

Gene: POC1A (POC1 centriolar protein A; minus strand). Cytogenetic location: 3p21.2.
Variant type: single nucleotide variant.
Coding change: c.189C>T on transcript NM_015426.5 (MANE Select); coding-DNA position 189, C replaced by T.
Protein change: p.Ala63=; no amino-acid change (alanine 63 retained).
Molecular consequence: synonymous variant.
Genome position (GRCh38, 1-based): chr3:52,149,902, G>A on the plus strand (C>T on the coding strand, the complement: POC1A is on the minus strand). VCF-style: chr3-52149902-G-A. GRCh37 (hg19) VCF-style: chr3-52183918-G-A.
Other names: c.189C>T (NM_015426.4); c.189C>T, p.Ala63= (NM_001161580.2); c.75C>T, p.Ala25= (NM_001161581.2).
Identifiers: ClinVar variation 1600339 (VCV001600339.34), dbSNP rs532398743, ClinGen allele CA2429714.

ClinVar aggregate classification (germline): Benign/Likely benign. Review status: criteria provided, multiple submitters, no conflicts (2 of 4 stars). 4 submissions from 4 submitters: Benign (1); Likely benign (2). 1 of the submissions does not count toward it. Last evaluated 2025-09-02.

Conditions:
POC1A-related disorder. Also called: POC1A-related condition.

Allele frequency attached by ClinVar (database versions not stated): gnomAD 0.00001 and 0.00007; TOPMed 0.00003; gnomAD exomes 0.00021 and 0.00044; ExAC 0.00055; 1000 Genomes Project 30x 0.00094; 1000 Genomes Project 0.00120.
gnomAD v4.1: 315 of 1,613,974 alleles (0.02%); highest among the groups gnomAD compares: South Asian, 0.31%; 5 homozygotes.

Submissions (4):

Labcorp Genetics (formerly Invitae), Labcorp
Classification: Benign. Last evaluated: 2025-09-02. Review status: criteria provided, single submitter. Criteria: Invitae Variant Classification Sherloc (09022015). Collection method: clinical testing. Allele origin: germline.

CeGaT Center for Human Genetics Tuebingen
Classification: Likely benign. Last evaluated: 2023-06-01. Review status: criteria provided, single submitter. Criteria: CeGaT Center For Human Genetics Tuebingen Variant Classification Criteria Version 2. Collection method: clinical testing. Allele origin: germline. Affected: yes. Observed: 1 variant allele.
Comment: POC1A: BP4, BP7

Blueprint Genetics
Classification: Likely benign. Last evaluated: 2023-05-16. Review status: criteria provided, single submitter. Criteria: ACMG Guidelines, 2015. Collection method: clinical testing. Allele origin: germline.

PreventionGenetics, part of Exact Sciences
Classification: Likely benign for POC1A-related condition. Last evaluated: 2019-05-13. Review status: no assertion criteria provided. Collection method: clinical testing. Allele origin: germline. Not counted in ClinVar's aggregate classification.
Comment: This variant is classified as likely benign based on ACMG/AMP sequence variant interpretation guidelines (Richards et al. 2015 PMID: 25741868, with internal and published modifications).